The following is an entry in ClinVar:

NM_017950.4(CCDC40):c.1571del (p.Gln524fs)

Gene: CCDC40 (coiled-coil domain 40 molecular ruler complex subunit; plus strand). Cytogenetic location: 17q25.3.
Variant type: Deletion.
Coding change: c.1571del on transcript NM_017950.4 (MANE Select); coding-DNA position 1571, one base deleted (A; older notation c.1571delA).
Protein change: p.Gln524fs; shifts the reading frame from glutamine 524.
Molecular consequence: frameshift variant.
Genome position (GRCh38, 1-based): chr17:80,081,554, A deleted. VCF-style (leftmost placement, unchanged base first): chr17-80081553-CA-C. GRCh37 (hg19) VCF-style: chr17-78055352-CA-C.
Other names: c.1571delA (NM_017950.3); c.1571del, p.Gln524fs (NM_001243342.2); short protein forms Q524fs.
Identifiers: ClinVar variation 2885552 (VCV002885552.5), dbSNP rs761619279, ClinGen allele CA8813975.

ClinVar aggregate classification (germline): Pathogenic. Review status: criteria provided, multiple submitters, no conflicts (2 of 4 stars). 3 submissions from 3 submitters: Pathogenic (3). Last evaluated 2026-09-11.

Conditions:
Primary ciliary dyskinesia 15. Also called: CILIARY DYSKINESIA, PRIMARY, 15, WITH OR WITHOUT SITUS INVERSUS. Identifiers: Orphanet 244, MedGen C3151137, MONDO:0013435, OMIM 613808.
Primary ciliary dyskinesia. Also called: Ciliary dyskinesia. Identifiers: Orphanet 244, MedGen C0008780, MONDO:0016575, HP:0012265.

Allele frequency attached by ClinVar (database versions not stated): TOPMed 0.00002; gnomAD 0.00003; gnomAD exomes below 0.00001; ExAC 0.00001.

Submissions (3):

Ambry Genetics
Classification: Pathogenic for Primary ciliary dyskinesia. Last evaluated: 2026-09-11. Review status: criteria provided, single submitter. Criteria: Ambry Variant Classification Scheme 2023. Collection method: clinical testing. Allele origin: germline.
Comment: The c.1571delA pathogenic mutation, located in coding exon 11 of the CCDC40 gene, results from a deletion of one nucleotide at nucleotide position 1571, causing a translational frameshift with a predicted alternate stop codon (p.Q524Rfs*19). This variant has been identified in the homozygous state and/or in conjunction with other CCDC40 variant(s) in individual(s) with features consistent with CCDC40-related primary ciliary dyskinesia (Olm MAK et al. Sci Rep, 2019 Jun;9:8693). This alteration is expected to result in loss of function by premature protein truncation or nonsense-mediated mRNA decay. As such, this alteration is interpreted as a disease-causing mutation.

Laboratorio de Genetica e Diagnostico Molecular, Hospital Israelita Albert Einstein
Classification: Pathogenic for Primary ciliary dyskinesia 15. Last evaluated: 2024-03-21. Review status: criteria provided, single submitter. Criteria: ACMG Guidelines, 2015. Collection method: clinical testing. Allele origin: germline. Affected: yes.
Comment: ACMG classification criteria: PVS1 very strong, PM2 supporting, PM3 supporting

Labcorp Genetics (formerly Invitae), Labcorp
Classification: Pathogenic for Primary ciliary dyskinesia. Last evaluated: 2023-06-20. Review status: criteria provided, single submitter. Criteria: Invitae Variant Classification Sherloc (09022015). Collection method: clinical testing. Allele origin: germline.
Comment: This sequence change creates a premature translational stop signal (p.Gln524Argfs*19) in the CCDC40 gene. It is expected to result in an absent or disrupted protein product. Loss-of-function variants in CCDC40 are known to be pathogenic (PMID: 21131974, 22693285, 23255504). For these reasons, this variant has been classified as Pathogenic. This premature translational stop signal has been observed in individual(s) with primary ciliary dyskinesia (PMID: 31213628). This variant is present in population databases (rs761619279, gnomAD 0.02%).

Literature cited by the submitters: PubMed 31213628 (cited by Ambry Genetics and Labcorp Genetics (formerly Invitae), Labcorp); PubMed 21131974 (cited by Labcorp Genetics (formerly Invitae), Labcorp); PubMed 22693285 (cited by Labcorp Genetics (formerly Invitae), Labcorp); PubMed 23255504 (cited by Labcorp Genetics (formerly Invitae), Labcorp).